The following is an entry in ClinVar:

NM_001378454.1(ALMS1):c.8530C>T (p.Leu2844Phe)

Gene: ALMS1 (ALMS1 centrosome and basal body associated protein; plus strand). Cytogenetic location: 2p13.1.
Variant type: single nucleotide variant.
Coding change: c.8530C>T on transcript NM_001378454.1 (MANE Select); coding-DNA position 8530, C replaced by T.
Protein change: p.Leu2844Phe; replaces leucine 2844 with phenylalanine.
Molecular consequence: missense variant.
Genome position (GRCh38, 1-based): chr2:73,490,489, C>T. VCF-style: chr2-73490489-C-T. GRCh37 (hg19) VCF-style: chr2-73717616-C-T.
Other names: c.8533C>T, p.Leu2845Phe (NM_015120.4); short protein forms L2845F, L2844F.
Identifiers: ClinVar variation 1406615 (VCV001406615.8), dbSNP rs920714816, ClinGen allele CA50378766.

ClinVar aggregate classification (germline): Conflicting classifications of pathogenicity. Review status: criteria provided, conflicting classifications (1 of 4 stars). 4 submissions from 4 submitters: Uncertain significance (3); Likely benign (1). Last evaluated 2025-08-26.

Conditions:
Cardiovascular phenotype. Identifiers: MedGen CN230736.
Alstrom syndrome (ALMS). Identifiers: Orphanet 64, MedGen C0268425, MONDO:0008763, OMIM 203800.

Allele frequency attached by ClinVar (database versions not stated): gnomAD 0.00009 and 0.00011; TOPMed 0.00019.
gnomAD v4.1: 27 of 1,614,022 alleles (0.0017%); highest among the groups gnomAD compares: African/African-American, 0.023%; no homozygotes.

Submissions (4):

Ambry Genetics
Classification: Likely benign for Cardiovascular phenotype. Last evaluated: 2025-08-26. Review status: criteria provided, single submitter. Criteria: Ambry Variant Classification Scheme 2023. Collection method: clinical testing. Allele origin: germline.

GeneDx
Classification: Uncertain significance. Last evaluated: 2024-10-07. Review status: criteria provided, single submitter. Criteria: GeneDx Variant Classification Process June 2021. Collection method: clinical testing. Allele origin: germline. Affected: yes.
Comment: Reported in a patient with myocarditis in published literature (PMID: 32519640); Not observed at a significant frequency in large population cohorts (gnomAD); In silico analysis indicates that this missense variant does not alter protein structure/function; This variant is associated with the following publications: (PMID: 32519640)

ARUP Laboratories, Molecular Genetics and Genomics, ARUP Laboratories
Classification: Uncertain significance for Alstrom syndrome. Last evaluated: 2024-07-30. Review status: criteria provided, single submitter. Criteria: ARUP Molecular Germline Variant Investigation Process 2024. Collection method: clinical testing. Allele origin: germline.
Comment: The ALMS1 c.8530C>T; p.Leu2844Phe variant (rs920714816), to our knowledge, is not reported in the medical literature but is reported in ClinVar (Variation ID: 1406615). This variant is only observed on one allele in the Genome Aggregation Database (v2.1.1), indicating it is not a common polymorphism. Computational analyses predict that this variant is neutral (REVEL: 0.042). However, given the lack of clinical and functional data, the significance of this variant is uncertain at this time.

Labcorp Genetics (formerly Invitae), Labcorp
Classification: Uncertain significance for Alstrom syndrome. Last evaluated: 2022-09-19. Review status: criteria provided, single submitter. Criteria: Invitae Variant Classification Sherloc (09022015). Collection method: clinical testing. Allele origin: germline.
Comment: This sequence change replaces leucine, which is neutral and non-polar, with phenylalanine, which is neutral and non-polar, at codon 2845 of the ALMS1 protein (p.Leu2845Phe). This variant is present in population databases (no rsID available, gnomAD 0.01%). This variant has not been reported in the literature in individuals affected with ALMS1-related conditions. ClinVar contains an entry for this variant (Variation ID: 1406615). Experimental studies and prediction algorithms are not available or were not evaluated, and the functional significance of this variant is currently unknown. In summary, the available evidence is currently insufficient to determine the role of this variant in disease. Therefore, it has been classified as a Variant of Uncertain Significance.